The following is an entry in ClinVar:

ClinVar aggregate classification (germline): Uncertain significance. Review status: criteria provided, multiple submitters, no conflicts (2 of 4 stars). 3 submissions from 3 submitters: Uncertain significance (2). 1 of the submissions does not count toward it. Last evaluated 2023-01-01.

Conditions:
Classic homocystinuria. Also called: Homocystinuria due to CBS deficiency; Cystathionine beta-synthase deficiency; CBS deficiency; HOMOCYSTINURIA WITH OR WITHOUT RESPONSE TO PYRIDOXINE; Homocystinuria due to Cystathionine Beta-Synthase Deficiency. Identifiers: Orphanet 394, MedGen C0751202, MONDO:0009352, OMIM 236200.
HYPERHOMOCYSTEINEMIA, THROMBOTIC, CBS-RELATED. Identifiers: MedGen C3150344, OMIM 236200.

Allele frequency attached by ClinVar (database versions not stated): gnomAD exomes 0.00001.

Submissions (3):

CeGaT Center for Human Genetics Tuebingen
Classification: Uncertain significance. Last evaluated: 2023-01-01. Review status: criteria provided, single submitter. Criteria: CeGaT Center For Human Genetics Tuebingen Variant Classification Criteria Version 2. Collection method: clinical testing. Allele origin: germline. Affected: yes. Observed: 1 variant allele.

Labcorp Genetics (formerly Invitae), Labcorp
Classification: Uncertain significance for HYPERHOMOCYSTEINEMIA, THROMBOTIC, CBS-RELATED. Last evaluated: 2022-05-27. Review status: criteria provided, single submitter. Criteria: Invitae Variant Classification Sherloc (09022015). Collection method: clinical testing. Allele origin: germline.
Comment: This sequence change replaces alanine, which is neutral and non-polar, with valine, which is neutral and non-polar, at codon 340 of the CBS protein (p.Ala340Val). This variant is present in population databases (no rsID available, gnomAD 0.006%). This variant has not been reported in the literature in individuals affected with CBS-related conditions. ClinVar contains an entry for this variant (Variation ID: 842130). Algorithms developed to predict the effect of missense changes on protein structure and function (SIFT, PolyPhen-2, Align-GVGD) all suggest that this variant is likely to be tolerated. In summary, the available evidence is currently insufficient to determine the role of this variant in disease. Therefore, it has been classified as a Variant of Uncertain Significance.

Natera, Inc.
Classification: Uncertain significance for Homocystinuria due to cystathionine beta-synthase deficiency. Last evaluated: 2020-09-16. Review status: no assertion criteria provided. Collection method: clinical testing. Allele origin: germline. Not counted in ClinVar's aggregate classification.

NM_000071.3(CBS):c.1019C>T (p.Ala340Val)

Gene: CBS (cystathionine beta-synthase; minus strand). Cytogenetic location: 21q22.3.
Variant type: single nucleotide variant.
Coding change: c.1019C>T on transcript NM_000071.3 (MANE Select); coding-DNA position 1019, C replaced by T.
Protein change: p.Ala340Val; replaces alanine 340 with valine.
Molecular consequence: missense variant.
Genome position (GRCh38, 1-based): chr21:43,062,331, G>A on the plus strand (C>T on the coding strand, the complement: CBS is on the minus strand). VCF-style: chr21-43062331-G-A. GRCh37 (hg19) VCF-style: chr21-44482441-G-A.
Other names: c.1019C>T, p.Ala340Val (NM_001178008.3, NM_001178009.3, NM_001320298.2); c.704C>T, p.Ala235Val (NM_001321072.1); short protein forms A235V, A340V.
Identifiers: ClinVar variation 842130 (VCV000842130.35), dbSNP rs1282760211, ClinGen allele CA410599773.